The following is an entry in ClinVar:

NM_145698.5(ACBD5):c.490+92G>A

Gene: ACBD5 (acyl-CoA binding domain containing 5; minus strand). Cytogenetic location: 10p12.1.
Variant type: single nucleotide variant.
Coding change: c.490+92G>A on transcript NM_145698.5 (MANE Select); 92 bases into the intron after coding-DNA position 490, G replaced by A.
Molecular consequence: intron variant.
Genome position (GRCh38, 1-based): chr10:27,223,246, C>T on the plus strand (G>A on the coding strand, the complement: ACBD5 is on the minus strand). VCF-style: chr10-27223246-C-T. GRCh37 (hg19) VCF-style: chr10-27512175-C-T.
Other names: c.490+92G>A (NM_001352570.1, NM_001352588.1); c.163+92G>A (NM_001301253.2, NM_001301251.2, NM_001352583.1 and 3 more transcripts); c.385+92G>A (NM_001352580.2, NM_001352577.2, NM_001352582.2 and 3 more transcripts); c.386-7G>A (NM_001352575.2, NM_001352574.2, NM_001352576.2); c.164-7G>A (NM_001352585.1); c.511+92G>A (NM_001352572.1); c.512-7G>A (NM_001352568.1); c.491-7G>A (NM_001352573.1, NM_001352581.1, NM_001352569.1); and 2 more.
Identifiers: ClinVar variation 4977530 (VCV004977530.1).

ClinVar aggregate classification (germline): Likely benign (1 of 4 stars; one submission).

Conditions:
ACBD5-related disorder. Also called: ACBD5-related condition.

gnomAD v4.1: 10 of 906,900 alleles (0.0011%); highest among the groups gnomAD compares: Admixed American, 0.0018%; no homozygotes.

Submission:

PreventionGenetics, part of Exact Sciences
Classification: Likely benign for ACBD5-related condition. Last evaluated: 2024-12-05. Review status: criteria provided, single submitter. Criteria: ACMG Guidelines, 2015. Collection method: clinical testing. Allele origin: germline.
Comment: This variant is classified as likely benign based on ACMG/AMP sequence variant interpretation guidelines (Richards et al. 2015 PMID: 25741868, with internal and published modifications).